The following is an entry in ClinVar:

ClinVar aggregate classification (germline): Uncertain significance (1 of 4 stars; one submission).

Conditions:
Inborn genetic diseases. Identifiers: MedGen C0950123, MeSH D030342.

Allele frequency attached by ClinVar (database versions not stated): TOPMed below 0.00001; gnomAD 0.00001.
gnomAD v4.1: 3 of 1,613,388 alleles (0.00019%); highest among the groups gnomAD compares: Admixed American, 0.0017%; no homozygotes.

Submission:

Ambry Genetics
Classification: Uncertain significance for Inborn genetic diseases. Last evaluated: 2021-12-15. Review status: criteria provided, single submitter. Criteria: Ambry Variant Classification Scheme 2023. Collection method: clinical testing. Allele origin: germline.
Comment: The p.P19S variant (also known as c.55C>T), located in coding exon 2 of the ERCC2 gene, results from a C to T substitution at nucleotide position 55. The proline at codon 19 is replaced by serine, an amino acid with similar properties. This amino acid position is conserved. In addition, this alteration is predicted to be deleterious by in silico analysis. Since supporting evidence is limited at this time, the clinical significance of this alteration remains unclear.

NM_000400.4(ERCC2):c.55C>T (p.Pro19Ser)

Gene: ERCC2 (ERCC excision repair 2, TFIIH core complex helicase subunit; minus strand). Cytogenetic location: 19q13.32.
Variant type: single nucleotide variant.
Coding change: c.55C>T on transcript NM_000400.4 (MANE Select); coding-DNA position 55, C replaced by T.
Protein change: p.Pro19Ser; replaces proline 19 with serine.
Molecular consequence: missense variant. On other transcripts: 5 prime UTR variant (1).
Genome position (GRCh38, 1-based): chr19:45,370,183, G>A on the plus strand (C>T on the coding strand, the complement: ERCC2 is on the minus strand). VCF-style: chr19-45370183-G-A. GRCh37 (hg19) VCF-style: chr19-45873441-G-A.
Other names: c.-18C>T (NM_001130867.2); short protein forms P19S.
Identifiers: ClinVar variation 1748554 (VCV001748554.2), dbSNP rs1318658148, ClinGen allele CA406380024.